The following is an entry in ClinVar:

ClinVar aggregate classification (germline): Pathogenic/Likely pathogenic. Review status: criteria provided, multiple submitters, no conflicts (2 of 4 stars). 4 submissions from 4 submitters: Pathogenic (3); Likely pathogenic (1). Last evaluated 2024-03-20.

Conditions:
PEX26-related disorder. Also called: PEX26-related condition.
Peroxisome biogenesis disorder 7A (Zellweger). Also called: Peroxisome biogenesis disorder 7A. Identifiers: Orphanet 912, MedGen C3888385, MONDO:0013938, OMIM 614872.
Peroxisome biogenesis disorder 7B (PBD7B). Identifiers: Orphanet 44, MedGen C3553951, MONDO:0013939, OMIM 614873.

Submissions (4):

Baylor Genetics
Classification: Pathogenic for Peroxisome biogenesis disorder 7A (Zellweger). Last evaluated: 2024-03-20. Review status: criteria provided, single submitter. Criteria: ACMG Guidelines, 2015. Collection method: clinical testing. Allele origin: unknown.

Blueprint Genetics
Classification: Likely pathogenic for PEX26-related disorders. Last evaluated: 2022-08-24. Review status: criteria provided, single submitter. Criteria: ACMG Guidelines, 2015. Collection method: clinical testing. Allele origin: germline. Affected: yes. Observed: 2 variant alleles.

Juno Genomics, Hangzhou Juno Genomics, Inc
Classification: Pathogenic for Peroxisome biogenesis disorder 7A (Zellweger); Peroxisome biogenesis disorder 7B. Review status: criteria provided, single submitter. Criteria: ACMG Guidelines, 2015. Collection method: clinical testing. Allele origin: germline.
Comment: Absent from controls (or at extremely low frequency if recessive) in Genome Aggregation Database.;Null variant in a gene where loss of function (LOF) is a known mechanism of disease.;For recessive disorders, detected in trans with a pathogenic variant.;Patient's phenotype or family history is highly specific for a disease with a single genetic etiology.

Kasturba Medical College, Manipal, Kasturba Medical College, Manipal, Manipal Academy of Higher Education, Manipal, India
Classification: Pathogenic for Peroxisome biogenesis disorder 7A (Zellweger). Review status: criteria provided, single submitter. Criteria: ACMG Guidelines, 2015. Collection method: clinical testing. Allele origin: inherited. Inheritance: Autosomal recessive inheritance. Affected: yes.

NM_001127649.3(PEX26):c.34del (p.Leu12fs)

Gene: PEX26 (peroxisomal biogenesis factor 26; plus strand). Cytogenetic location: 22q11.21.
Variant type: Deletion.
Coding change: c.34del on transcript NM_001127649.3 (MANE Select); coding-DNA position 34, one base deleted (C; older notation c.34delC).
Protein change: p.Leu12fs; shifts the reading frame from leucine 12.
Molecular consequence: frameshift variant.
Genome position (GRCh38, 1-based): chr22:18,078,410, C deleted; the last of 6 consecutive C bases (chr22:18,078,405-18,078,410); deleting any one gives the same sequence. VCF-style (leftmost placement, unchanged base first): chr22-18078404-GC-G. GRCh37 (hg19) VCF-style: chr22-18561170-GC-G.
Other names: c.34del, p.Leu12fs (NM_001199319.2, NM_017929.6); short protein forms L12fs.
Identifiers: ClinVar variation 1331348 (VCV001331348.8), dbSNP rs61752129, ClinGen allele CA638502284.